The following is an entry in ClinVar:

ClinVar aggregate classification (germline): Uncertain significance (1 of 4 stars; one submission).

Submission:

Ambry Genetics
Classification: Uncertain significance. Last evaluated: 2024-11-18. Review status: criteria provided, single submitter. Criteria: Ambry Variant Classification Scheme 2023. Collection method: clinical testing. Allele origin: germline.
Comment: The p.R225G variant (also known as c.673A>G), located in coding exon 1 of the CDK12 gene, results from an A to G substitution at nucleotide position 673. The arginine at codon 225 is replaced by glycine, an amino acid with dissimilar properties. This amino acid position is conserved. In addition, this alteration is predicted to be tolerated by in silico analysis. Based on the available evidence, the clinical significance of this variant remains unclear.

NM_016507.4(CDK12):c.673A>G (p.Arg225Gly)

Genes: CDK12 (cyclin dependent kinase 12; plus strand), LOC126862553 (CDK7 strongly-dependent group 2 enhancer GRCh37_chr17:37618166-37619365; plus strand). Cytogenetic location: 17q12.
Variant type: single nucleotide variant.
Coding change: c.673A>G on transcript NM_016507.4 (MANE Select); coding-DNA position 673, A replaced by G.
Protein change: p.Arg225Gly; replaces arginine 225 with glycine.
Molecular consequence: missense variant.
Genome position (GRCh38, 1-based): chr17:39,462,744, A>G. VCF-style: chr17-39462744-A-G. GRCh37 (hg19) VCF-style: chr17-37618997-A-G.
Other names: c.673A>G, p.Arg225Gly (NM_015083.4); short protein forms R225G.
Identifiers: ClinVar variation 3489204 (VCV003489204.1).